The following is an entry in ClinVar:

ClinVar aggregate classification (germline): Conflicting classifications of pathogenicity. Review status: criteria provided, conflicting classifications (1 of 4 stars). 5 submissions from 5 submitters: Uncertain significance (1); Likely benign (4). Last evaluated 2025-12-09.

Conditions:
Neurofibromatosis, type 1 (NF1). Also called: Peripheral type neurofibromatosis; Neurofibromatosis, type I; VON RECKLINGHAUSEN DISEASE; NEUROFIBROMATOSIS, TYPE I, SOMATIC. Identifiers: Orphanet 636, MedGen C0027831, MONDO:0018975, OMIM 162200. Disease mechanism: loss of function.
Hereditary cancer-predisposing syndrome. Also called: Neoplastic Syndromes, Hereditary; Hereditary Cancer Syndrome; Tumor predisposition; Hereditary neoplastic syndrome. Identifiers: Orphanet 140162, MedGen C0027672, MeSH D009386, MONDO:0015356.

Allele frequency attached by ClinVar (database versions not stated): gnomAD exomes below 0.00001.
gnomAD v4.1: 4 of 1,604,190 alleles (0.00025%); highest among the groups gnomAD compares: African/African-American, 0.0013%; no homozygotes.

Submissions (5):

Labcorp Genetics (formerly Invitae), Labcorp
Classification: Likely benign for Neurofibromatosis, type 1. Last evaluated: 2025-12-09. Review status: criteria provided, single submitter. Criteria: Invitae Variant Classification Sherloc (09022015). Collection method: clinical testing. Allele origin: germline.

Institute for Biomarker Research, Medical Diagnostic Laboratories, L.L.C.
Classification: Likely benign for Hereditary cancer-predisposing syndrome. Last evaluated: 2024-06-18. Review status: criteria provided, single submitter. Criteria: ACMG Guidelines, 2015. Collection method: clinical testing. Allele origin: germline.

Blueprint Genetics
Classification: Likely benign. Last evaluated: 2022-11-14. Review status: criteria provided, single submitter. Criteria: ACMG Guidelines, 2015. Collection method: clinical testing. Allele origin: germline.

Mendelics
Classification: Uncertain significance for Neurofibromatosis, type 1. Last evaluated: 2018-07-02. Review status: criteria provided, single submitter. Criteria: Mendelics Assertion Criteria 2017. Collection method: clinical testing. Allele origin: unknown.

Ambry Genetics
Classification: Likely benign for Hereditary cancer-predisposing syndrome. Last evaluated: 2016-03-14. Review status: criteria provided, single submitter. Criteria: Ambry Autosomal Dominant and X-Linked criteria (10/2015). Collection method: clinical testing. Allele origin: germline. Observed: 1 variant allele.
Comment: Synonymous alterations with insufficient evidence to classify as benign

NM_001042492.3(NF1):c.4834A>C (p.Arg1612=)

Gene: NF1 (neurofibromin 1; plus strand). Cytogenetic location: 17q11.2.
Variant type: single nucleotide variant.
Coding change: c.4834A>C on transcript NM_001042492.3 (MANE Select); coding-DNA position 4834, A replaced by C.
Protein change: p.Arg1612=; no amino-acid change (arginine 1612 retained).
Molecular consequence: synonymous variant.
Genome position (GRCh38, 1-based): chr17:31,265,338, A>C. VCF-style: chr17-31265338-A-C. GRCh37 (hg19) VCF-style: chr17-29592356-A-C.
Other names: c.4771A>C, p.Arg1591= (NM_000267.4).
Identifiers: ClinVar variation 237571 (VCV000237571.17), dbSNP rs755137259, ClinGen allele CA10583508.
Genomic context (GRCh38, chr17:31,265,338, plus strand): 5'-ATTTTCTACCAAGCTGGGACTTCCAAAGCTGGGAATCCTATTTTTTATTATGTTGCACGG[A>C]GGTAAGAAATACTATGTTTTGGGTCTCTTAACAGAATTTTTTAAATTATAGCAAATATAG-3'
Protein context (NP_001035957.1, residues 1602-1622): GNPIFYYVAR[Arg1612=]FKTGQINGDL